The following is an entry in ClinVar:

ClinVar aggregate classification (germline): Uncertain significance (1 of 4 stars; one submission).

Conditions:
Cardiovascular phenotype. Identifiers: MedGen CN230736.

Allele frequency attached by ClinVar (database versions not stated): gnomAD exomes below 0.00001.
gnomAD v4.1: 4 of 1,613,700 alleles (0.00025%); highest among the groups gnomAD compares: Admixed American, 0.0017%; no homozygotes.

Submission:

Ambry Genetics
Classification: Uncertain significance for Cardiovascular phenotype. Last evaluated: 2022-05-30. Review status: criteria provided, single submitter. Criteria: Ambry Variant Classification Scheme 2023. Collection method: clinical testing. Allele origin: germline.
Comment: The p.P1208R variant (also known as c.3623C>G), located in coding exon 23 of the SOS2 gene, results from a C to G substitution at nucleotide position 3623. The proline at codon 1208 is replaced by arginine, an amino acid with dissimilar properties. This amino acid position is conserved. In addition, the in silico prediction for this alteration is inconclusive. Since supporting evidence is limited at this time, the clinical significance of this alteration remains unclear.

NM_006939.4(SOS2):c.3623C>G (p.Pro1208Arg)

Gene: SOS2 (SOS Ras/Rho guanine nucleotide exchange factor 2; minus strand). Cytogenetic location: 14q21.3.
Variant type: single nucleotide variant.
Coding change: c.3623C>G on transcript NM_006939.4 (MANE Select); coding-DNA position 3623, C replaced by G.
Protein change: p.Pro1208Arg; replaces proline 1208 with arginine.
Molecular consequence: missense variant.
Genome position (GRCh38, 1-based): chr14:50,118,720, G>C on the plus strand (C>G on the coding strand, the complement: SOS2 is on the minus strand). VCF-style: chr14-50118720-G-C. GRCh37 (hg19) VCF-style: chr14-50585438-G-C.
Other names: c.3524C>G, p.Pro1175Arg (NM_001411020.1); short protein forms P1175R, P1208R.
Identifiers: ClinVar variation 1733344 (VCV001733344.2), dbSNP rs1406410850, ClinGen allele CA389638515.